The following is an entry in ClinVar:

ClinVar aggregate classification (germline): Uncertain significance (1 of 4 stars; one submission).

Conditions:
Early-infantile DEE. Also called: Early infantile epileptic encephalopathy; Early infantile epileptic encephalopathy with suppression bursts; Ohtahara syndrome. Identifiers: Orphanet 1934, MedGen C0393706, MONDO:0800491.

Allele frequency attached by ClinVar (database versions not stated): TOPMed 0.00001; gnomAD exomes below 0.00001.
gnomAD v4.1: 2 of 1,613,288 alleles (0.00012%); highest among the groups gnomAD compares: Non-Finnish European, 0.00017%; no homozygotes.

Submission:

Labcorp Genetics (formerly Invitae), Labcorp
Classification: Uncertain significance for Early-infantile DEE. Last evaluated: 2022-10-13. Review status: criteria provided, single submitter. Criteria: Invitae Variant Classification Sherloc (09022015). Collection method: clinical testing. Allele origin: germline.
Comment: This sequence change replaces glycine, which is neutral and non-polar, with serine, which is neutral and polar, at codon 198 of the ARHGEF15 protein (p.Gly198Ser). In summary, the available evidence is currently insufficient to determine the role of this variant in disease. Therefore, it has been classified as a Variant of Uncertain Significance. Algorithms developed to predict the effect of missense changes on protein structure and function output the following: SIFT: "Deleterious"; PolyPhen-2: "Benign"; Align-GVGD: "Class C0". The serine amino acid residue is found in multiple mammalian species, which suggests that this missense change does not adversely affect protein function. ClinVar contains an entry for this variant (Variation ID: 530442). This variant has not been reported in the literature in individuals affected with ARHGEF15-related conditions. This variant is not present in population databases (gnomAD no frequency).

NM_173728.4(ARHGEF15):c.592G>A (p.Gly198Ser)

Gene: ARHGEF15 (Rho guanine nucleotide exchange factor 15; plus strand). Cytogenetic location: 17p13.1.
Variant type: single nucleotide variant.
Coding change: c.592G>A on transcript NM_173728.4 (MANE Select); coding-DNA position 592, G replaced by A.
Protein change: p.Gly198Ser; replaces glycine 198 with serine.
Molecular consequence: missense variant.
Genome position (GRCh38, 1-based): chr17:8,312,631, G>A. VCF-style: chr17-8312631-G-A. GRCh37 (hg19) VCF-style: chr17-8215949-G-A.
Other names: c.592G>A, p.Gly198Ser (NM_025014.2); short protein forms G198S.
Identifiers: ClinVar variation 530442 (VCV000530442.9), dbSNP rs1222652387, ClinGen allele CA398015147.